The following is an entry in ClinVar:

ClinVar aggregate classification (germline): Benign/Likely benign. Review status: criteria provided, multiple submitters, no conflicts (2 of 4 stars). 3 submissions from 3 submitters: Benign (1); Likely benign (2). Last evaluated 2026-02-01.

Allele frequency attached by ClinVar (database versions not stated): ExAC 0.00118; gnomAD 0.00309 and 0.00335; 1000 Genomes Project 0.00339; TOPMed 0.00374; ESP Exome Variant Server 0.00404; 1000 Genomes Project 30x 0.00422.
gnomAD v4.1: 1,066 of 1,612,172 alleles (0.066%); highest among the groups gnomAD compares: African/African-American, 1%; 7 homozygotes.

Submissions (3):

CeGaT Center for Human Genetics Tuebingen
Classification: Likely benign. Last evaluated: 2026-02-01. Review status: criteria provided, single submitter. Criteria: CeGaT Center For Human Genetics Tuebingen Variant Classification Criteria Version 2. Collection method: clinical testing. Allele origin: germline. Affected: yes. Observed: 2 variant alleles.
Comment: PIGB: BP4, BP7, BS1

Labcorp Genetics (formerly Invitae), Labcorp
Classification: Benign. Last evaluated: 2026-01-27. Review status: criteria provided, single submitter. Criteria: Invitae Variant Classification Sherloc (09022015). Collection method: clinical testing. Allele origin: germline.

Blueprint Genetics
Classification: Likely benign. Last evaluated: 2024-07-17. Review status: criteria provided, single submitter. Criteria: ACMG Guidelines, 2015. Collection method: clinical testing. Allele origin: germline.

NM_004855.5(PIGB):c.453T>C (p.Ser151=)

Gene: PIGB (phosphatidylinositol glycan anchor biosynthesis class B; plus strand). Cytogenetic location: 15q21.3.
Variant type: single nucleotide variant.
Coding change: c.453T>C on transcript NM_004855.5 (MANE Select); coding-DNA position 453, T replaced by C.
Protein change: p.Ser151=; no amino-acid change (serine 151 retained).
Molecular consequence: synonymous variant.
Genome position (GRCh38, 1-based): chr15:55,327,566, T>C. VCF-style: chr15-55327566-T-C. GRCh37 (hg19) VCF-style: chr15-55619764-T-C.
Identifiers: ClinVar variation 1666650 (VCV001666650.33), dbSNP rs35201245, ClinGen allele CA7573848.